The following is an entry in ClinVar:

ClinVar aggregate classification (germline): Likely benign (0 of 4 stars; one submission).

Conditions:
DGKD-related disorder. Also called: DGKD-related condition.

Allele frequency attached by ClinVar (database versions not stated): gnomAD 0.00008; ExAC 0.00010; gnomAD exomes 0.00010.
gnomAD v4.1: 150 of 1,532,444 alleles (0.0098%); highest among the groups gnomAD compares: Middle Eastern, 0.035%; no homozygotes.

Submission:

PreventionGenetics, part of Exact Sciences
Classification: Likely benign for DGKD-related condition. Last evaluated: 2019-06-06. Review status: no assertion criteria provided. Collection method: clinical testing. Allele origin: germline.
Comment: This variant is classified as likely benign based on ACMG/AMP sequence variant interpretation guidelines (Richards et al. 2015 PMID: 25741868, with internal and published modifications).

NM_152879.3(DGKD):c.2541C>T (p.Ala847=)

Gene: DGKD (diacylglycerol kinase delta; plus strand). Cytogenetic location: 2q37.1.
Variant type: single nucleotide variant.
Coding change: c.2541C>T on transcript NM_152879.3 (MANE Select); coding-DNA position 2541, C replaced by T.
Protein change: p.Ala847=; no amino-acid change (alanine 847 retained).
Molecular consequence: synonymous variant.
Genome position (GRCh38, 1-based): chr2:233,457,289, C>T. VCF-style: chr2-233457289-C-T. GRCh37 (hg19) VCF-style: chr2-234365935-C-T.
Other names: c.2142C>T, p.Ala714= (NM_001377259.1); c.2409C>T, p.Ala803= (NM_003648.3).
Identifiers: ClinVar variation 3043595 (VCV003043595.2), dbSNP rs756821372, ClinGen allele CA2175660.